The following is an entry in ClinVar:

NM_032119.4(ADGRV1):c.16072A>G (p.Ile5358Val)

Gene: ADGRV1 (adhesion G protein-coupled receptor V1; plus strand). Cytogenetic location: 5q14.3.
Variant type: single nucleotide variant.
Coding change: c.16072A>G on transcript NM_032119.4 (MANE Select); coding-DNA position 16072, A replaced by G.
Protein change: p.Ile5358Val; replaces isoleucine 5358 with valine.
Molecular consequence: missense variant. On other transcripts: non-coding transcript variant (1).
Genome position (GRCh38, 1-based): chr5:90,811,332, A>G. VCF-style: chr5-90811332-A-G. GRCh37 (hg19) VCF-style: chr5-90107149-A-G.
Other names: short protein forms I5358V.
Identifiers: ClinVar variation 957643 (VCV000957643.8), dbSNP rs1341636479, ClinGen allele CA360411735.

ClinVar aggregate classification (germline): Uncertain significance. Review status: criteria provided, multiple submitters, no conflicts (2 of 4 stars). 2 submissions from 2 submitters: Uncertain significance (2). Last evaluated 2023-03-20.

Conditions:
Inborn genetic diseases. Identifiers: MedGen C0950123, MeSH D030342.

Allele frequency attached by ClinVar (database versions not stated): gnomAD exomes below 0.00001 and 0.00003; TOPMed 0.00002; gnomAD 0.00005 and 0.00006.
gnomAD v4.1: 49 of 1,598,892 alleles (0.0031%); highest among the groups gnomAD compares: Non-Finnish European, 0.004%; no homozygotes.

Submissions (2):

Ambry Genetics
Classification: Uncertain significance for Inborn genetic diseases. Last evaluated: 2023-03-20. Review status: criteria provided, single submitter. Criteria: Ambry Variant Classification Scheme 2023. Collection method: clinical testing. Allele origin: germline.

Labcorp Genetics (formerly Invitae), Labcorp
Classification: Uncertain significance. Last evaluated: 2021-08-31. Review status: criteria provided, single submitter. Criteria: Invitae Variant Classification Sherloc (09022015). Collection method: clinical testing. Allele origin: germline.
Comment: This sequence change replaces isoleucine with valine at codon 5358 of the ADGRV1 protein (p.Ile5358Val). The isoleucine residue is highly conserved and there is a small physicochemical difference between isoleucine and valine. This variant is not present in population databases (ExAC no frequency). This variant has not been reported in the literature in individuals affected with ADGRV1-related conditions. Algorithms developed to predict the effect of missense changes on protein structure and function (SIFT, PolyPhen-2, Align-GVGD) all suggest that this variant is likely to be tolerated. In summary, the available evidence is currently insufficient to determine the role of this variant in disease. Therefore, it has been classified as a Variant of Uncertain Significance.